The following is an entry in ClinVar:

ClinVar aggregate classification (germline): Likely benign (1 of 4 stars; one submission).

gnomAD v4.1: 293 of 986,538 alleles (0.03%); highest among the groups gnomAD compares: Non-Finnish European, 0.037%; no homozygotes.

Submission:

CeGaT Center for Human Genetics Tuebingen
Classification: Likely benign. Last evaluated: 2024-08-01. Review status: criteria provided, single submitter. Criteria: CeGaT Center For Human Genetics Tuebingen Variant Classification Criteria Version 2. Collection method: clinical testing. Allele origin: germline. Affected: yes. Observed: 1 variant allele.
Comment: GRIA2: BP4, BP7

NM_001083619.3(GRIA2):c.1050+113C>T

Gene: GRIA2 (glutamate ionotropic receptor AMPA type subunit 2; plus strand). Cytogenetic location: 4q32.1.
Variant type: single nucleotide variant.
Coding change: c.1050+113C>T on transcript NM_001083619.3 (MANE Select); 113 bases into the intron after coding-DNA position 1050, C replaced by T.
Molecular consequence: intron variant.
Genome position (GRCh38, 1-based): chr4:157,333,099, C>T. VCF-style: chr4-157333099-C-T. GRCh37 (hg19) VCF-style: chr4-158254251-C-T.
Other names: c.909+113C>T (NM_001379000.3, NM_001379001.3, NM_001083620.3); c.1050+113C>T (NM_000826.6).
Identifiers: ClinVar variation 3341979 (VCV003341979.16).